The following is an entry in ClinVar:

ClinVar aggregate classification (germline): Uncertain significance (1 of 4 stars; one submission).

Conditions:
Familial adenomatous polyposis 1 (FAP1). Also called: FAMILIAL ADENOMATOUS POLYPOSIS 1, ATTENUATED; POLYPOSIS, ADENOMATOUS INTESTINAL. Identifiers: MedGen C2713442, MONDO:0021056, OMIM 175100. Disease mechanism: loss of function.

Submission:

Labcorp Genetics (formerly Invitae), Labcorp
Classification: Uncertain significance for Familial adenomatous polyposis 1. Last evaluated: 2023-02-14. Review status: criteria provided, single submitter. Criteria: Invitae Variant Classification Sherloc (09022015). Collection method: clinical testing. Allele origin: germline.
Comment: This sequence change replaces glycine, which is neutral and non-polar, with valine, which is neutral and non-polar, at codon 1019 of the APC protein (p.Gly1019Val). This variant is not present in population databases (gnomAD no frequency). This variant has not been reported in the literature in individuals affected with APC-related conditions. ClinVar contains an entry for this variant (Variation ID: 844658). Advanced modeling of protein sequence and biophysical properties (such as structural, functional, and spatial information, amino acid conservation, physicochemical variation, residue mobility, and thermodynamic stability) performed at Invitae indicates that this missense variant is not expected to disrupt APC protein function. In summary, the available evidence is currently insufficient to determine the role of this variant in disease. Therefore, it has been classified as a Variant of Uncertain Significance.

NM_000038.6(APC):c.3056G>T (p.Gly1019Val)

Gene: APC (APC regulator of Wnt signaling pathway; plus strand). Cytogenetic location: 5q22.2.
Variant type: single nucleotide variant.
Coding change: c.3056G>T on transcript NM_000038.6 (MANE Select); coding-DNA position 3056, G replaced by T.
Protein change: p.Gly1019Val; replaces glycine 1019 with valine.
Molecular consequence: missense variant.
Genome position (GRCh38, 1-based): chr5:112,838,650, G>T. VCF-style: chr5-112838650-G-T. GRCh37 (hg19) VCF-style: chr5-112174347-G-T.
Other names: c.3056G>T, p.Gly1019Val (NM_001127510.3, NM_001354895.2); c.3002G>T, p.Gly1001Val (NM_001127511.3); c.3110G>T, p.Gly1037Val (NM_001354896.2); c.3086G>T, p.Gly1029Val (NM_001354897.2); c.2981G>T, p.Gly994Val (NM_001354898.2); c.2972G>T, p.Gly991Val (NM_001354899.2); c.2933G>T, p.Gly978Val (NM_001354900.2); c.2879G>T, p.Gly960Val (NM_001354901.2); and 5 more; short protein forms G893V, G918V, G928V, G994V, G1019V, G859V, G960V, G1029V.
Identifiers: ClinVar variation 844658 (VCV000844658.11), dbSNP rs1765326272, ClinGen allele CA16028028.